The following is an entry in ClinVar:

ClinVar aggregate classification (germline): Uncertain significance (1 of 4 stars; one submission).

Conditions:
AMBN-related disorder. Also called: AMBN-related condition.

Submission:

PreventionGenetics, part of Exact Sciences
Classification: Uncertain significance for AMBN-related condition. Last evaluated: 2024-10-21. Review status: criteria provided, single submitter. Criteria: ACMG Guidelines, 2015. Collection method: clinical testing. Allele origin: germline.
Comment: The AMBN c.477A>C variant is predicted to result in the amino acid substitution p.Glu159Asp. To our knowledge, this variant has not been reported in the literature or in a large population database (gnomAD), indicating this variant is rare. At this time, the clinical significance of this variant is uncertain due to the absence of conclusive functional and genetic evidence.

NM_016519.6(AMBN):c.477A>C (p.Glu159Asp)

Gene: AMBN (ameloblastin; plus strand). Cytogenetic location: 4q13.3.
Variant type: single nucleotide variant.
Coding change: c.477A>C on transcript NM_016519.6 (MANE Select); coding-DNA position 477, A replaced by C.
Protein change: p.Glu159Asp; replaces glutamic acid 159 with aspartic acid.
Molecular consequence: missense variant.
Genome position (GRCh38, 1-based): chr4:70,601,600, A>C. VCF-style: chr4-70601600-A-C. GRCh37 (hg19) VCF-style: chr4-71467317-A-C.
Other names: short protein forms E159D.
Identifiers: ClinVar variation 5001205 (VCV005001205.1).
Genomic context (GRCh38, chr4:70,601,600, plus strand): 5'-ACTGAAAGAAGCACTTCAGCCTCCAATTCACCTGGGACATCTGCCCTTGCAGGAAGGAGA[A>C]CTGCCTCTGGTTCAGCAGCAGGTGGCACCATCAGATAAGCCACCAAAGCCTGAGGTACTT-3'
Protein context (NP_057603.1, residues 149-169): HLGHLPLQEG[Glu159Asp]LPLVQQQVAP